The following is an entry in ClinVar:

ClinVar aggregate classification (germline): Uncertain significance. Review status: criteria provided, multiple submitters, no conflicts (2 of 4 stars). 3 submissions from 3 submitters: Uncertain significance (3). Last evaluated 2024-10-21.

Conditions:
Branched-chain keto acid dehydrogenase kinase deficiency (BCKDKD). Also called: BCKDK DEFICIENCY. Identifiers: Orphanet 308410, MedGen C3554078, MONDO:0013970, OMIM 614923.

Allele frequency attached by ClinVar (database versions not stated): gnomAD 0.00006; gnomAD exomes 0.00007 and 0.00011; ExAC 0.00008; ESP Exome Variant Server 0.00008; TOPMed 0.00012.
gnomAD v4.1: 161 of 1,613,498 alleles (0.01%); highest among the groups gnomAD compares: Non-Finnish European, 0.013%; no homozygotes.

Submissions (3):

Blueprint Genetics
Classification: Uncertain significance. Last evaluated: 2024-10-21. Review status: criteria provided, single submitter. Criteria: ACMG Guidelines, 2015. Collection method: clinical testing. Allele origin: germline.

Labcorp Genetics (formerly Invitae), Labcorp
Classification: Uncertain significance for Branched-chain keto acid dehydrogenase kinase deficiency. Last evaluated: 2020-01-22. Review status: criteria provided, single submitter. Criteria: Invitae Variant Classification Sherloc (09022015). Collection method: clinical testing. Allele origin: germline.
Comment: In summary, the available evidence is currently insufficient to determine the role of this variant in disease. Therefore, it has been classified as a Variant of Uncertain Significance. Algorithms developed to predict the effect of missense changes on protein structure and function are either unavailable or do not agree on the potential impact of this missense change (SIFT: "Deleterious"; PolyPhen-2: "Probably Damaging"; Align-GVGD: "Class C0"). This variant has not been reported in the literature in individuals with BCKDK-related disease. ClinVar contains an entry for this variant (Variation ID: 197262). This variant is present in population databases (rs141282419, ExAC 0.01%). This sequence change replaces valine with methionine at codon 125 of the BCKDK protein (p.Val125Met). The valine residue is highly conserved and there is a small physicochemical difference between valine and methionine.

Eurofins Ntd Llc (ga)
Classification: Uncertain significance. Last evaluated: 2014-12-17. Review status: criteria provided, single submitter. Criteria: EGL Classification Definitions 2015. Collection method: clinical testing. Allele origin: germline. Observed: 2 variant alleles, 2 heterozygotes.

NM_005881.4(BCKDK):c.373G>A (p.Val125Met)

Gene: BCKDK (branched chain keto acid dehydrogenase kinase; plus strand). Cytogenetic location: 16p11.2.
Variant type: single nucleotide variant.
Coding change: c.373G>A on transcript NM_005881.4 (MANE Select); coding-DNA position 373, G replaced by A.
Protein change: p.Val125Met; replaces valine 125 with methionine.
Molecular consequence: missense variant.
Genome position (GRCh38, 1-based): chr16:31,109,781, G>A. VCF-style: chr16-31109781-G-A. GRCh37 (hg19) VCF-style: chr16-31121102-G-A.
Other names: c.373G>A, p.Val125Met (NM_001122957.4, NM_001271926.3); short protein forms V125M.
Identifiers: ClinVar variation 197262 (VCV000197262.14), dbSNP rs141282419, ClinGen allele CA245298.